The following is an entry in ClinVar:

NM_033641.4(COL4A6):c.3138+6T>A

Gene: COL4A6 (collagen type IV alpha 6 chain; minus strand). Cytogenetic location: Xq22.3.
Variant type: single nucleotide variant.
Coding change: c.3138+6T>A on transcript NM_033641.4 (MANE Select); 6 bases into the intron after coding-DNA position 3138, T replaced by A.
Molecular consequence: intron variant.
Genome position (GRCh38, 1-based): chrX:108,174,434, A>T on the plus strand (T>A on the coding strand, the complement: COL4A6 is on the minus strand). VCF-style: chrX-108174434-A-T. GRCh37 (hg19) VCF-style: chrX-107417664-A-T.
Other names: c.3141+6T>A (NM_001847.4); c.3138+6T>A (NM_001287760.2, NM_001287759.2); c.3189+6T>A (NM_001287758.2).
Identifiers: ClinVar variation 1907108 (VCV001907108.5), dbSNP rs749031354, ClinGen allele CA10487499.

ClinVar aggregate classification (germline): Uncertain significance (1 of 4 stars; one submission).

Allele frequency attached by ClinVar (database versions not stated): ExAC 0.00001; TOPMed 0.00001; gnomAD 0.00003; gnomAD exomes 0.00006.
gnomAD v4.1: 68 of 1,208,406 alleles (0.0056%); highest among the groups gnomAD compares: Non-Finnish European, 0.0073%; no homozygotes.

Submission:

Labcorp Genetics (formerly Invitae), Labcorp
Classification: Uncertain significance. Last evaluated: 2024-10-22. Review status: criteria provided, single submitter. Criteria: Invitae Variant Classification Sherloc (09022015). Collection method: clinical testing. Allele origin: germline.
Comment: This sequence change falls in intron 31 of the COL4A6 gene. It does not directly change the encoded amino acid sequence of the COL4A6 protein. It affects a nucleotide within the consensus splice site. This variant is present in population databases (rs749031354, gnomAD 0.001%). This variant has not been reported in the literature in individuals affected with COL4A6-related conditions. ClinVar contains an entry for this variant (Variation ID: 1907108). Variants that disrupt the consensus splice site are a relatively common cause of aberrant splicing (PMID: 17576681, 9536098). Algorithms developed to predict the effect of sequence changes on RNA splicing suggest that this variant may disrupt the consensus splice site. In summary, the available evidence is currently insufficient to determine the role of this variant in disease. Therefore, it has been classified as a Variant of Uncertain Significance.

Literature cited by the submitters: PubMed 17576681; PubMed 9536098.